The following is an entry in ClinVar:

ClinVar aggregate classification (germline): Likely pathogenic (1 of 4 stars; one submission).

Conditions:
Nemaline myopathy 2 (NEM2). Also called: Nemaline myopathy 2, autosomal recessive. Identifiers: MedGen C1850569, MONDO:0009725, OMIM 256030.

Submission:

Myriad Genetics, Inc.
Classification: Likely pathogenic for Nemaline myopathy 2. Last evaluated: 2021-12-17. Review status: criteria provided, single submitter. Criteria: Myriad Women's Health Autosomal Recessive and X-Linked Classification Criteria (2021). Collection method: clinical testing. Allele origin: unknown.
Comment: NM_001271208.1(NEB):c.4916_4917insG(S1640Ifs*38) is expected to be pathogenic in the context of NEB-related nemaline myopathy. This variant is predicted to lead to an abnormal or absent protein product due to the creation of a premature termination codon in NEB, a gene where loss-of-function variants are known to be pathogenic. Please note: this variant was assessed in the context of healthy population screening.

NM_001164508.2(NEB):c.4916_4917insG (p.Ser1640fs)

Gene: NEB (nebulin; minus strand). Cytogenetic location: 2q23.3.
Variant type: Insertion.
Coding change: c.4916_4917insG on transcript NM_001164508.2 (MANE Select); coding-DNA positions 4916 to 4917, G inserted.
Protein change: p.Ser1640fs; shifts the reading frame from serine 1640.
Molecular consequence: frameshift variant.
Genome position: GRCh38 VCF-style: chr2-151666204-T-TC. GRCh37 (hg19) VCF-style: chr2-152522718-T-TC.
Other names: c.4916_4917insG, p.Ser1640fs (NM_004543.5, NM_001164507.2, NM_001271208.2); short protein forms S1640fs.
Identifiers: ClinVar variation 1726422 (VCV001726422.2), dbSNP rs2552258227, ClinGen allele CA2580064091.